The following is an entry in ClinVar:

ClinVar aggregate classification (germline): Uncertain significance (0 of 4 stars; one submission).

Conditions:
ROBO1-related disorder. Also called: ROBO1-related condition.

gnomAD v4.1: 1 of 1,612,664 alleles (0.000062%); highest among the groups gnomAD compares: Non-Finnish European, 0.000085%; no homozygotes.

Submission:

PreventionGenetics, part of Exact Sciences
Classification: Uncertain significance for ROBO1-related condition. Last evaluated: 2024-05-30. Review status: no assertion criteria provided. Collection method: clinical testing. Allele origin: germline.
Comment: The ROBO1 c.3590G>C variant is predicted to result in the amino acid substitution p.Ser1197Thr. To our knowledge, this variant has not been reported in the literature or in a large population database indicating this variant is rare. At this time, the clinical significance of this variant is uncertain due to the absence of conclusive functional and genetic evidence.

NM_002941.4(ROBO1):c.3590G>C (p.Ser1197Thr)

Gene: ROBO1 (roundabout guidance receptor 1; minus strand). Cytogenetic location: 3p12.3.
Variant type: single nucleotide variant.
Coding change: c.3590G>C on transcript NM_002941.4 (MANE Select); coding-DNA position 3590, G replaced by C.
Protein change: p.Ser1197Thr; replaces serine 1197 with threonine.
Molecular consequence: missense variant.
Genome position (GRCh38, 1-based): chr3:78,631,197, C>G on the plus strand (G>C on the coding strand, the complement: ROBO1 is on the minus strand). VCF-style: chr3-78631197-C-G. GRCh37 (hg19) VCF-style: chr3-78680347-C-G.
Other names: c.3455G>C, p.Ser1152Thr (NM_001145844.1, NM_133631.4); c.3290G>C, p.Ser1097Thr (NM_001145845.2); short protein forms S1097T, S1152T, S1197T.
Identifiers: ClinVar variation 3058292 (VCV003058292.2), dbSNP rs1705160744, ClinGen allele CA353650646.